The following is an entry in ClinVar:

ClinVar aggregate classification (germline): Conflicting classifications of pathogenicity. Review status: criteria provided, conflicting classifications (1 of 4 stars). 5 submissions from 5 submitters: Uncertain significance (2); Benign (1); Likely benign (2). Last evaluated 2026-01-27.

Conditions:
Erythrocytosis, familial, 3 (ECYT3). Identifiers: Orphanet 247511, MedGen C1853286, MONDO:0012353, OMIM 609820.

Allele frequency attached by ClinVar (database versions not stated): gnomAD exomes 0.00006 and 0.00040; gnomAD 0.00026; TOPMed 0.00051; 1000 Genomes Project 30x 0.00125.
gnomAD v4.1: 103 of 1,300,380 alleles (0.0079%); highest among the groups gnomAD compares: East Asian, 0.27%; no homozygotes.

Submissions (5):

Labcorp Genetics (formerly Invitae), Labcorp
Classification: Uncertain significance for Erythrocytosis, familial, 3. Last evaluated: 2026-01-27. Review status: criteria provided, single submitter. Criteria: Invitae Variant Classification Sherloc (09022015). Collection method: clinical testing. Allele origin: germline.
Comment: This sequence change replaces proline, which is neutral and non-polar, with leucine, which is neutral and non-polar, at codon 120 of the EGLN1 protein (p.Pro120Leu). This variant is present in population databases (rs796280222, gnomAD 0.7%), and has an allele count higher than expected for a pathogenic variant. This missense change has been observed in individual(s) with erythrocytosis (PMID: 29790589). ClinVar contains an entry for this variant (Variation ID: 296193). An algorithm developed to predict the effect of missense changes on protein structure and function (PolyPhen-2) suggests that this variant is likely to be disruptive. In summary, the available evidence is currently insufficient to determine the role of this variant in disease. Therefore, it has been classified as a Variant of Uncertain Significance.

Ambry Genetics
Classification: Benign. Last evaluated: 2024-10-28. Review status: criteria provided, single submitter. Criteria: Ambry Variant Classification Scheme 2023. Collection method: clinical testing. Allele origin: germline.

CeGaT Center for Human Genetics Tuebingen
Classification: Likely benign. Last evaluated: 2024-07-01. Review status: criteria provided, single submitter. Criteria: CeGaT Center For Human Genetics Tuebingen Variant Classification Criteria Version 2. Collection method: clinical testing. Allele origin: germline. Affected: yes. Observed: 1 variant allele.
Comment: EGLN1: PP2, BS1

Blueprint Genetics
Classification: Likely benign. Last evaluated: 2023-09-13. Review status: criteria provided, single submitter. Criteria: ACMG Guidelines, 2015. Collection method: clinical testing. Allele origin: germline.

Illumina Laboratory Services, Illumina
Classification: Uncertain significance for Erythrocytosis, familial, 3. Last evaluated: 2018-01-12. Review status: criteria provided, single submitter. Criteria: ICSL Variant Classification Criteria 13 December 2019. Collection method: clinical testing. Allele origin: germline.

Literature cited by the submitters: PubMed 29790589 (cited by Labcorp Genetics (formerly Invitae), Labcorp).

NM_022051.3(EGLN1):c.359C>T (p.Pro120Leu)

Gene: EGLN1 (egl-9 family hypoxia inducible factor 1; minus strand). Cytogenetic location: 1q42.2.
Variant type: single nucleotide variant.
Coding change: c.359C>T on transcript NM_022051.3 (MANE Select); coding-DNA position 359, C replaced by T.
Protein change: p.Pro120Leu; replaces proline 120 with leucine.
Molecular consequence: missense variant.
Genome position (GRCh38, 1-based): chr1:231,421,530, G>A on the plus strand (C>T on the coding strand, the complement: EGLN1 is on the minus strand). VCF-style: chr1-231421530-G-A. GRCh37 (hg19) VCF-style: chr1-231557276-G-A.
Other names: c.359C>T, p.Pro120Leu (NM_001377260.1, NM_001377261.1); short protein forms P120L.
Identifiers: ClinVar variation 296193 (VCV000296193.30), dbSNP rs796280222, ClinGen allele CA10609330.
Genomic context (GRCh38, chr1:231,421,530, plus strand): 5'-GCAGCCACCGCCGAGCCCTGGCCGCCGGCGGCCGCACGACACGGCGACGCGGCCGCCGCT[G>A]GGTCGGCCGGGGGCTTGGCCTTTACTTTTCCCTTGGCCGCGTCCCCGGAGGCGTTGTCCC-3'
Protein context (NP_071334.1, residues 110-130): GKVKAKPPAD[Pro120Leu]AAAASPCRAA